The following is an entry in ClinVar:

NM_001145860.2(POP1):c.1462G>A (p.Glu488Lys)

Gene: POP1 (POP1 ribonuclease P/MRP subunit; plus strand). Cytogenetic location: 8q22.2.
Variant type: single nucleotide variant.
Coding change: c.1462G>A on transcript NM_001145860.2 (MANE Select); coding-DNA position 1462, G replaced by A.
Protein change: p.Glu488Lys; replaces glutamic acid 488 with lysine.
Molecular consequence: missense variant.
Genome position (GRCh38, 1-based): chr8:98,140,177, G>A. VCF-style: chr8-98140177-G-A. GRCh37 (hg19) VCF-style: chr8-99152405-G-A.
Other names: c.1462G>A, p.Glu488Lys (NM_001145861.2, NM_015029.3); c.1462G>A (NM_015029.2); short protein forms E488K.
Identifiers: ClinVar variation 1939599 (VCV001939599.6), dbSNP rs1169492285, ClinGen allele CA371794103.

ClinVar aggregate classification (germline): Uncertain significance. Review status: criteria provided, multiple submitters, no conflicts (2 of 4 stars). 2 submissions from 2 submitters: Uncertain significance (2). Last evaluated 2024-10-09.

Conditions:
Inborn genetic diseases. Identifiers: MedGen C0950123, MeSH D030342.

Allele frequency attached by ClinVar (database versions not stated): gnomAD exomes below 0.00001; gnomAD 0.00001.
gnomAD v4.1: 2 of 1,613,766 alleles (0.00012%); highest among the groups gnomAD compares: East Asian, 0.0022%; no homozygotes.

Submissions (2):

Ambry Genetics
Classification: Uncertain significance for Inborn genetic diseases. Last evaluated: 2024-10-09. Review status: criteria provided, single submitter. Criteria: Ambry Variant Classification Scheme 2023. Collection method: clinical testing. Allele origin: germline.

Labcorp Genetics (formerly Invitae), Labcorp
Classification: Uncertain significance. Last evaluated: 2024-01-24. Review status: criteria provided, single submitter. Criteria: Invitae Variant Classification Sherloc (09022015). Collection method: clinical testing. Allele origin: germline.
Comment: This sequence change replaces glutamic acid, which is acidic and polar, with lysine, which is basic and polar, at codon 488 of the POP1 protein (p.Glu488Lys). The frequency data for this variant in the population databases is considered unreliable, as metrics indicate poor data quality at this position in the gnomAD database. This variant has not been reported in the literature in individuals affected with POP1-related conditions. ClinVar contains an entry for this variant (Variation ID: 1939599). Algorithms developed to predict the effect of missense changes on protein structure and function output the following: SIFT: "Not Available"; PolyPhen-2: "Benign"; Align-GVGD: "Not Available". The lysine amino acid residue is found in multiple mammalian species, which suggests that this missense change does not adversely affect protein function. In summary, the available evidence is currently insufficient to determine the role of this variant in disease. Therefore, it has been classified as a Variant of Uncertain Significance.